The following is an entry in ClinVar:

NM_000492.4(CFTR):c.1767-2A>C

Gene: CFTR (CF transmembrane conductance regulator; plus strand). Cytogenetic location: 7q31.2.
Variant type: single nucleotide variant.
Coding change: c.1767-2A>C on transcript NM_000492.4 (MANE Select); the canonical splice acceptor site of the intron before coding-DNA position 1767, A replaced by C.
Molecular consequence: splice acceptor variant.
Genome position (GRCh38, 1-based): chr7:117,591,932, A>C. VCF-style: chr7-117591932-A-C. GRCh37 (hg19) VCF-style: chr7-117231986-A-C.
Other names: c.1767-2A>C (NM_000492.3).
Identifiers: ClinVar variation 4811574 (VCV004811574.2).
Genomic context (GRCh38, chr7:117,591,932, plus strand): 5'-ACGAGACATATTGCAATAAAGTATTTATAAAATTGATATTTATATGTTTTTATATCTTAA[A>C]GCTGTGTCTGTAAACTGATGGCTAACAAAACTAGGATTTTGGTCACTTCTAAAATGGAAC-3'

ClinVar aggregate classification (germline): Pathogenic. Review status: criteria provided, multiple submitters, no conflicts (2 of 4 stars). 2 submissions from 2 submitters: Pathogenic (2). Last evaluated 2025-12-23.

Conditions:
Cystic fibrosis (CF). Also called: MUCOVISCIDOSIS. Identifiers: Orphanet 586, MedGen C0010674, MONDO:0009061, OMIM 219700. Disease mechanism: loss of function.
CFTR-related disorder (CFTR-RD). Also called: CFTR-related disorders; CFTR-related condition. Identifiers: MedGen C5924204, MONDO:7770004.

gnomAD v4.1: 1 of 1,557,506 alleles (0.000064%); highest among the groups gnomAD compares: South Asian, 0.0012%; no homozygotes.

Submissions (2):

Natera, Inc.
Classification: Pathogenic for CFTR-related disorders. Last evaluated: 2025-12-23. Review status: criteria provided, single submitter. Criteria: Natera Variant Classification Schema (03/2026). Collection method: clinical testing. Allele origin: germline.
Comment: The c.1767-2A>C variant in CFTR is a canonical splice acceptor site variant predicted to affect pre-mRNA splicing, which may result in an abnormal transcript and altered protein product. This variant is expected to result in nonsense mediated decay, truncation, or a dysfunctional protein product. This variant is rare in the general population with a frequency below the threshold expected for the associated phenotype(s). Another variant at this same site results in an alteration predicted to cause a similar molecular effect has been observed in individual(s) with the associated phenotype. Given the available evidence, this variant is classified as Pathogenic.

Labcorp Genetics (formerly Invitae), Labcorp
Classification: Pathogenic for Cystic fibrosis. Last evaluated: 2025-04-25. Review status: criteria provided, single submitter. Criteria: Invitae Variant Classification Sherloc (09022015). Collection method: clinical testing. Allele origin: germline.
Comment: This sequence change affects an acceptor splice site in intron 13 of the CFTR gene. It is expected to disrupt RNA splicing. Variants that disrupt the donor or acceptor splice site typically lead to a loss of protein function (PMID: 16199547), and loss-of-function variants in CFTR are known to be pathogenic (PMID: 1695717, 7691345, 9725922). This variant is not present in population databases (gnomAD no frequency). Disruption of this splice site has been observed in individuals with congenital absence of vas deferens and/or cystic fibrosis (PMID: 36437957, 37867076; internal data). Algorithms developed to predict the effect of sequence changes on RNA splicing suggest that this variant may disrupt the consensus splice site. For these reasons, this variant has been classified as Pathogenic.

Literature cited by the submitters: PubMed 16199547 (cited by Labcorp Genetics (formerly Invitae), Labcorp); PubMed 1695717 (cited by Labcorp Genetics (formerly Invitae), Labcorp); PubMed 7691345 (cited by Labcorp Genetics (formerly Invitae), Labcorp); PubMed 9725922 (cited by Labcorp Genetics (formerly Invitae), Labcorp); PubMed 36437957 (cited by Labcorp Genetics (formerly Invitae), Labcorp); PubMed 37867076 (cited by Labcorp Genetics (formerly Invitae), Labcorp).